The following is an entry in ClinVar:

NM_001318510.2(ACSL4):c.1000_1001inv (p.Pro334Gly)

Gene: ACSL4 (acyl-CoA synthetase long chain family member 4; minus strand). Cytogenetic location: Xq23.
Variant type: Inversion.
Coding change: c.1000_1001inv on transcript NM_001318510.2 (MANE Select).
Protein change: p.Pro334Gly; replaces proline 334 with glycine.
Molecular consequence: missense variant.
Genome position: GRCh38 VCF-style: chrX-109674403-GG-CC. GRCh37 (hg19) VCF-style: chrX-108917632-GG-CC.
Other names: c.1123_1124inv, p.Pro375Gly (NM_001318509.2, NM_022977.3); c.1000_1001inv, p.Pro334Gly (NM_004458.3); short protein forms P334G, P375G.
Identifiers: ClinVar variation 3381717 (VCV003381717.1).
Genomic context (GRCh38, chrX:109,674,403, plus strand): 5'-TACGATCAATAAATTATATAAACAATCCTCTTATGTTCATATTCATATTCTGTACTCACC[GG>CC]AACAGCAGCCATAAGTGTGGGCTTCAGTACAGTACAGTCTCCTTTGCTTCCTTTTTTAAT-3'
Protein context (NP_001305439.1, residues 324-344): VLKPTLMAAV[Pro334Gly]EIMDRIYKNV

ClinVar aggregate classification (germline): Uncertain significance (1 of 4 stars; one submission).

Submission:

GeneDx
Classification: Uncertain significance. Last evaluated: 2024-05-21. Review status: criteria provided, single submitter. Criteria: GeneDx Variant Classification Process June 2021. Collection method: clinical testing. Allele origin: germline. Affected: yes.
Comment: Not observed at significant frequency in large population cohorts (gnomAD); In silico analysis supports a deleterious effect on protein structure/function; Has not been previously published as pathogenic or benign to our knowledge